The following is an entry in ClinVar:

NM_145725.3(TRAF3):c.1150C>T (p.Gln384Ter)

Gene: TRAF3 (TNF receptor associated factor 3; plus strand). Cytogenetic location: 14q32.32.
Variant type: single nucleotide variant.
Coding change: c.1150C>T on transcript NM_145725.3 (MANE Select); coding-DNA position 1150, C replaced by T.
Protein change: p.Gln384Ter; replaces glutamine 384 with a stop codon.
Molecular consequence: nonsense.
Genome position (GRCh38, 1-based): chr14:102,905,227, C>T. VCF-style: chr14-102905227-C-T. GRCh37 (hg19) VCF-style: chr14-103371564-C-T.
Other names: c.901C>T, p.Gln301Ter (NM_001199427.2); c.1009C>T, p.Gln337Ter (NM_001385142.1); c.1069C>T, p.Gln357Ter (NM_001385143.1); c.1150C>T, p.Gln384Ter (NM_003300.4); c.1075C>T, p.Gln359Ter (NM_145726.3); short protein forms Q337*, Q301*, Q357*, Q359*, Q384*.
Identifiers: ClinVar variation 2706879 (VCV002706879.3), dbSNP rs2542632499, ClinGen allele CA391075849.

ClinVar aggregate classification (germline): Uncertain significance (1 of 4 stars; one submission).

Conditions:
Immunodeficiency 132A. Also called: Herpes simplex encephalitis, susceptibility to, 3. Identifiers: Orphanet 1930, MedGen C3553868, MONDO:0013920, OMIM 614849.

Submission:

Labcorp Genetics (formerly Invitae), Labcorp
Classification: Uncertain significance for Immunodeficiency 132A. Last evaluated: 2024-01-01. Review status: criteria provided, single submitter. Criteria: Invitae Variant Classification Sherloc (09022015). Collection method: clinical testing. Allele origin: germline.
Comment: This sequence change creates a premature translational stop signal (p.Gln384*) in the TRAF3 gene. While this is not anticipated to result in nonsense mediated decay, it is expected to disrupt the last 185 amino acid(s) of the TRAF3 protein. This variant is not present in population databases (gnomAD no frequency). This variant has not been reported in the literature in individuals affected with TRAF3-related conditions. Experimental studies and prediction algorithms are not available or were not evaluated, and the functional significance of this variant is currently unknown. In summary, the available evidence is currently insufficient to determine the role of this variant in disease. Therefore, it has been classified as a Variant of Uncertain Significance.